The following is an entry in ClinVar:

NM_032444.4(SLX4):c.2259C>G (p.His753Gln)

Gene: SLX4 (SLX4 structure-specific endonuclease subunit; minus strand). Cytogenetic location: 16p13.3.
Variant type: single nucleotide variant.
Coding change: c.2259C>G on transcript NM_032444.4 (MANE Select); coding-DNA position 2259, C replaced by G.
Protein change: p.His753Gln; replaces histidine 753 with glutamine.
Molecular consequence: missense variant.
Genome position (GRCh38, 1-based): chr16:3,592,767, G>C on the plus strand (C>G on the coding strand, the complement: SLX4 is on the minus strand). VCF-style: chr16-3592767-G-C. GRCh37 (hg19) VCF-style: chr16-3642768-G-C.
Other names: c.2259C>G (LRG_503t1); short protein forms H753Q.
Identifiers: ClinVar variation 436789 (VCV000436789.15), dbSNP rs374294258, ClinGen allele CA7866216.

ClinVar aggregate classification (germline): Uncertain significance. Review status: criteria provided, multiple submitters, no conflicts (2 of 4 stars). 5 submissions from 5 submitters: Uncertain significance (5). Last evaluated 2026-03-24.

Conditions:
Inborn genetic diseases. Identifiers: MedGen C0950123, MeSH D030342.
Fanconi anemia complementation group P. Also called: SLX4-Related Fanconi Anemia. Identifiers: Orphanet 84, MedGen C3469542, MONDO:0013499, OMIM 613951.
Fanconi anemia (FA). Also called: Fanconi's anemia. Identifiers: Orphanet 84, MedGen C0015625, MeSH D005199, MONDO:0019391.

Allele frequency attached by ClinVar (database versions not stated): ExAC 0.00003; gnomAD 0.00005; TOPMed 0.00005; gnomAD exomes 0.00002 and 0.00001; ESP Exome Variant Server 0.00008.
gnomAD v4.1: 26 of 1,612,954 alleles (0.0016%); highest among the groups gnomAD compares: African/African-American, 0.02%; no homozygotes.

Submissions (5):

GeneDx
Classification: Uncertain significance. Last evaluated: 2026-03-24. Review status: criteria provided, single submitter. Criteria: GeneDx Variant Classification Process June 2021. Collection method: clinical testing. Allele origin: germline.
Comment: In silico analysis suggests that this missense variant does not alter protein structure/function; Has not been previously published as pathogenic or benign to our knowledge

Ambry Genetics
Classification: Uncertain significance for Inborn genetic diseases. Last evaluated: 2025-01-20. Review status: criteria provided, single submitter. Criteria: Ambry Variant Classification Scheme 2023. Collection method: clinical testing. Allele origin: germline.

Labcorp Genetics (formerly Invitae), Labcorp
Classification: Uncertain significance for Fanconi anemia. Last evaluated: 2024-12-09. Review status: criteria provided, single submitter. Criteria: Invitae Variant Classification Sherloc (09022015). Collection method: clinical testing. Allele origin: germline.
Comment: This sequence change replaces histidine, which is basic and polar, with glutamine, which is neutral and polar, at codon 753 of the SLX4 protein (p.His753Gln). This variant is present in population databases (rs374294258, gnomAD 0.02%). This variant has not been reported in the literature in individuals affected with SLX4-related conditions. ClinVar contains an entry for this variant (Variation ID: 436789). An algorithm developed to predict the effect of missense changes on protein structure and function outputs the following: PolyPhen-2: "Benign". The glutamine amino acid residue is found in multiple mammalian species, which suggests that this missense change does not adversely affect protein function. In summary, the available evidence is currently insufficient to determine the role of this variant in disease. Therefore, it has been classified as a Variant of Uncertain Significance.

Fulgent Genetics
Classification: Uncertain significance for Fanconi anemia complementation group P. Last evaluated: 2021-11-14. Review status: criteria provided, single submitter. Criteria: ACMG Guidelines, 2015. Collection method: clinical testing. Allele origin: unknown.

Genetic Services Laboratory, University of Chicago
Classification: Uncertain significance. Last evaluated: 2017-02-13. Review status: criteria provided, single submitter. Criteria: ACMG Guidelines, 2015. Collection method: clinical testing. Allele origin: germline. Affected: no.